The following is an entry in ClinVar:

ClinVar aggregate classification (germline): Likely benign (1 of 4 stars; one submission).

Allele frequency attached by ClinVar (database versions not stated): gnomAD exomes below 0.00001.
gnomAD v4.1: 3 of 1,550,984 alleles (0.00019%); highest among the groups gnomAD compares: Non-Finnish European, 0.00026%; no homozygotes.

Submission:

GeneDx
Classification: Likely benign. Last evaluated: 2012-11-26. Review status: criteria provided, single submitter. Criteria: GeneDx Variant Classification (06012015). Collection method: clinical testing. Allele origin: germline. Affected: yes.
Comment: This variant is considered likely benign or benign based on one or more of the following criteria: it is a conservative change, it occurs at a poorly conserved position in the protein, it is predicted to be benign by multiple in silico algorithms, and/or has population frequency not consistent with disease.

NM_001267550.2(TTN):c.31034A>G (p.Tyr10345Cys)

Gene: TTN (titin; minus strand). Cytogenetic location: 2q31.2.
Variant type: single nucleotide variant.
Coding change: c.31034A>G on transcript NM_001267550.2 (MANE Select); coding-DNA position 31034, A replaced by G.
Protein change: p.Tyr10345Cys; replaces tyrosine 10345 with cysteine.
Molecular consequence: missense variant. On other transcripts: intron variant (3).
Genome position (GRCh38, 1-based): chr2:178,696,038, T>C on the plus strand (A>G on the coding strand, the complement: TTN is on the minus strand). VCF-style: chr2-178696038-T-C. GRCh37 (hg19) VCF-style: chr2-179560765-T-C.
Other names: p.Y10028C:TAT>TGT; c.30083A>G, p.Tyr10028Cys (NM_001256850.1); c.27302A>G, p.Tyr9101Cys (NM_133378.4); c.13282+42044A>G (NM_003319.4); c.13858+42044A>G (NM_133437.4); c.13657+42044A>G (NM_133432.3); short protein forms Y10028C, Y10345C, Y9101C.
Identifiers: ClinVar variation 202297 (VCV000202297.3), dbSNP rs794729236, ClinGen allele CA309003.